The following is an entry in ClinVar:

ClinVar aggregate classification (germline): Uncertain significance (1 of 4 stars; one submission).

Conditions:
Developmental and epileptic encephalopathy, 54. Also called: Epileptic encephalopathy, early infantile, 54; HNRNPU-Related Neurodevelopmental Disorder. Identifiers: MedGen C4479319, MONDO:0033363, OMIM 617391.

Allele frequency attached by ClinVar (database versions not stated): gnomAD exomes below 0.00001; gnomAD 0.00001.
gnomAD v4.1: 2 of 1,613,664 alleles (0.00012%); highest among the groups gnomAD compares: Non-Finnish European, 0.00017%; no homozygotes.

Submission:

Labcorp Genetics (formerly Invitae), Labcorp
Classification: Uncertain significance for Developmental and epileptic encephalopathy, 54. Last evaluated: 2023-12-11. Review status: criteria provided, single submitter. Criteria: Invitae Variant Classification Sherloc (09022015). Collection method: clinical testing. Allele origin: germline.
Comment: This sequence change replaces alanine, which is neutral and non-polar, with threonine, which is neutral and polar, at codon 112 of the HNRNPU protein (p.Ala112Thr). This variant is present in population databases (no rsID available, gnomAD 0.007%). This variant has not been reported in the literature in individuals affected with HNRNPU-related conditions. An algorithm developed to predict the effect of missense changes on protein structure and function (PolyPhen-2) suggests that this variant is likely to be disruptive. In summary, the available evidence is currently insufficient to determine the role of this variant in disease. Therefore, it has been classified as a Variant of Uncertain Significance.

NM_031844.3(HNRNPU):c.334G>A (p.Ala112Thr)

Gene: HNRNPU (heterogeneous nuclear ribonucleoprotein U; minus strand). Cytogenetic location: 1q44.
Variant type: single nucleotide variant.
Coding change: c.334G>A on transcript NM_031844.3 (MANE Select); coding-DNA position 334, G replaced by A.
Protein change: p.Ala112Thr; replaces alanine 112 with threonine.
Molecular consequence: missense variant.
Genome position (GRCh38, 1-based): chr1:244,863,974, C>T on the plus strand (G>A on the coding strand, the complement: HNRNPU is on the minus strand). VCF-style: chr1-244863974-C-T. GRCh37 (hg19) VCF-style: chr1-245027276-C-T.
Other names: c.334G>A, p.Ala112Thr (NM_004501.3); short protein forms A112T.
Identifiers: ClinVar variation 2783639 (VCV002783639.3), dbSNP rs1166595391, ClinGen allele CA345497351.
Genomic context (GRCh38, chr1:244,863,974, plus strand): 5'-TCTCGTCTTCCGAGGCGGCCTCCTCCTCCTCCATCGGGCCCGAGTCGGCCGCCCCCGCGG[C>T]CCCGTTCTCCTCTCCTAGCTCCATCTGGTCGCCGTCCAGAGCGGAGATTCCTTCCTCCTC-3'
Protein context (NP_114032.2, residues 102-122): DQMELGEENG[Ala112Thr]AGAADSGPME